The following is an entry in ClinVar:

NM_004278.4(PIGL):c.60G>A (p.Trp20Ter)

Gene: PIGL (phosphatidylinositol glycan anchor biosynthesis class L; plus strand). Cytogenetic location: 17p11.2.
Variant type: single nucleotide variant.
Coding change: c.60G>A on transcript NM_004278.4 (MANE Select); coding-DNA position 60, G replaced by A.
Protein change: p.Trp20Ter; replaces tryptophan 20 with a stop codon.
Molecular consequence: nonsense.
Genome position (GRCh38, 1-based): chr17:16,217,286, G>A. VCF-style: chr17-16217286-G-A. GRCh37 (hg19) VCF-style: chr17-16120600-G-A.
Other names: short protein forms W20*.
Identifiers: ClinVar variation 265641 (VCV000265641.3), dbSNP rs886039691, ClinGen allele CA10588638.

ClinVar aggregate classification (germline): Pathogenic (1 of 4 stars; one submission).

Allele frequency attached by ClinVar (database versions not stated): gnomAD exomes below 0.00001; gnomAD 0.00001.
gnomAD v4.1: 2 of 1,614,072 alleles (0.00012%); highest among the groups gnomAD compares: Admixed American, 0.0017%; no homozygotes.

Submission:

GeneDx
Classification: Pathogenic. Last evaluated: 2020-03-24. Review status: criteria provided, single submitter. Criteria: GeneDx Variant Classification Process June 2021. Collection method: clinical testing. Allele origin: germline. Affected: yes.
Comment: Nonsense variant predicted to result in protein truncation or nonsense mediated decay in a gene for which loss-of-function is a known mechanism of disease; Not observed at a significant frequency in large population cohorts (Lek et al., 2016); This variant is associated with the following publications: (PMID: 30581057, 30023290)